The following is an entry in ClinVar:

NM_024422.6(DSC2):c.217A>G (p.Ile73Val)

Gene: DSC2 (desmocollin 2; minus strand). Cytogenetic location: 18q12.1.
Variant type: single nucleotide variant.
Coding change: c.217A>G on transcript NM_024422.6 (MANE Select); coding-DNA position 217, A replaced by G.
Protein change: p.Ile73Val; replaces isoleucine 73 with valine.
Molecular consequence: missense variant. On other transcripts: 5 prime UTR variant (2).
Genome position (GRCh38, 1-based): chr18:31,092,238, T>C on the plus strand (A>G on the coding strand, the complement: DSC2 is on the minus strand). VCF-style: chr18-31092238-T-C. GRCh37 (hg19) VCF-style: chr18-28672201-T-C.
Other names: c.-213A>G (NM_001406506.1, NM_001406507.1); c.217A>G, p.Ile73Val (NM_004949.5); short protein forms I73V.
Identifiers: ClinVar variation 2775195 (VCV002775195.2), dbSNP rs2510956224, ClinGen allele CA402114860.

ClinVar aggregate classification (germline): Uncertain significance (1 of 4 stars; one submission).

Conditions:
Cardiomyopathy (CMYO). Also called: Cardiomyopathies. Identifiers: Orphanet 167848, MedGen C0878544, MONDO:0004994, HP:0001638. Inheritance: Various modes of inheritance.

Submission:

Color Diagnostics, LLC DBA Color Health
Classification: Uncertain significance for Cardiomyopathy. Last evaluated: 2022-03-03. Review status: criteria provided, single submitter. Criteria: ACMG Guidelines, 2015. Collection method: clinical testing. Allele origin: germline.
Comment: This missense variant replaces isoleucine with valine at codon 73 of the DSC2 protein. Computational prediction suggests that this variant may not impact protein structure and function (internally defined REVEL score threshold <= 0.5, PMID: 27666373). To our knowledge, functional studies have not been reported for this variant. This variant has not been reported in individuals affected with cardiovascular disorders in the literature. This variant has not been identified in the general population by the Genome Aggregation Database (gnomAD). The available evidence is insufficient to determine the role of this variant in disease conclusively. Therefore, this variant is classified as a Variant of Uncertain Significance.